The following is an entry in ClinVar:

ClinVar aggregate classification (germline): Uncertain significance (1 of 4 stars; one submission).

Conditions:
EGFR-related lung cancer (EGFR). Identifiers: MedGen CN130014.

Submission:

Labcorp Genetics (formerly Invitae), Labcorp
Classification: Uncertain significance for EGFR-related lung cancer. Last evaluated: 2020-02-10. Review status: criteria provided, single submitter. Criteria: Invitae Variant Classification Sherloc (09022015). Collection method: clinical testing. Allele origin: germline.
Comment: In summary, the available evidence is currently insufficient to determine the role of this variant in disease. Therefore, it has been classified as a Variant of Uncertain Significance. Experimental studies and prediction algorithms are not available or were not evaluated, and the functional significance of this variant is currently unknown. This variant has not been reported in the literature in individuals with EGFR-related conditions. This variant is an in-frame deletion of the genomic region encompassing exons 12-13 of the EGFR gene. It preserves the integrity of the reading frame.

NC_000007.14:g.(?_55160129)_(55161641_?)del

Gene: EGFR (epidermal growth factor receptor; plus strand). Cytogenetic location: 7p11.2.
Variant type: Deletion.
Identifiers: ClinVar variation 833185 (VCV000833185.6).